The following is an entry in ClinVar:

ClinVar aggregate classification (germline): Uncertain significance. Review status: criteria provided, multiple submitters, no conflicts (2 of 4 stars). 3 submissions from 3 submitters: Uncertain significance (3). Last evaluated 2025-08-08.

Conditions:
Cardiovascular phenotype. Identifiers: MedGen CN230736.
Familial hypercholesterolemia. Also called: Familial hypercholesterolemias; Familial hypercholesterolaemia. Identifiers: MedGen C0020445, MONDO:0005439.
Hypercholesterolemia, familial, 1. Also called: HYPERCHOLESTEROLEMIA, FAMILIAL, MODIFIER OF; LDL RECEPTOR DISORDER; Hyperlipoproteinemia Type IIa; HYPER-LOW-DENSITY-LIPOPROTEINEMIA; HYPERCHOLESTEROLEMIC XANTHOMATOSIS, FAMILIAL; Fredrickson type IIa hyperlipoproteinemia. Identifiers: Orphanet 391665, MedGen C0745103, MONDO:0007750, OMIM 143890.

Allele frequency attached by ClinVar (database versions not stated): gnomAD 0.00001; gnomAD exomes 0.00001; TOPMed 0.00001.
gnomAD v4.1: 14 of 1,613,770 alleles (0.00087%); highest among the groups gnomAD compares: Non-Finnish European, 0.0012%; no homozygotes.

Submissions (3):

Cambridge Genomics Laboratory, East Genomic Laboratory Hub, NHS Genomic Medicine Service
Classification: Uncertain significance for Familial hypercholesterolaemia. Last evaluated: 2025-08-08. Review status: criteria provided, single submitter. Criteria: ACGS Best Practice Guidelines for Variant Classification in Rare Disease 2020. Collection method: clinical testing. Allele origin: germline. Affected: yes.
Comment: PM2_Supporting

Ambry Genetics
Classification: Uncertain significance for Cardiovascular phenotype. Last evaluated: 2025-07-09. Review status: criteria provided, single submitter. Criteria: Ambry Variant Classification Scheme 2023. Collection method: clinical testing. Allele origin: germline.
Comment: The p.E2315K variant (also known as c.6943G>A), located in coding exon 26 of the APOB gene, results from a G to A substitution at nucleotide position 6943. The glutamic acid at codon 2315 is replaced by lysine, an amino acid with similar properties. This amino acid position is conserved. In addition, this alteration is predicted to be tolerated by in silico analysis. Since supporting evidence is limited at this time, the clinical significance of this alteration remains unclear.

Robarts Research Institute, Western University
Classification: Uncertain significance for Hypercholesterolemia, familial, 1. Last evaluated: 2018-01-02. Review status: criteria provided, single submitter. Criteria: ACMG Guidelines, 2015. Collection method: clinical testing. Allele origin: germline. Inheritance: Autosomal dominant inheritance. Affected: yes.

NM_000384.3(APOB):c.6943G>A (p.Glu2315Lys)

Gene: APOB (apolipoprotein B; minus strand). Cytogenetic location: 2p24.1.
Variant type: single nucleotide variant.
Coding change: c.6943G>A on transcript NM_000384.3 (MANE Select); coding-DNA position 6943, G replaced by A.
Protein change: p.Glu2315Lys; replaces glutamic acid 2315 with lysine.
Molecular consequence: missense variant.
Genome position (GRCh38, 1-based): chr2:21,009,925, C>T on the plus strand (G>A on the coding strand, the complement: APOB is on the minus strand). VCF-style: chr2-21009925-C-T. GRCh37 (hg19) VCF-style: chr2-21232797-C-T.
Other names: short protein forms E2315K.
Identifiers: ClinVar variation 548064 (VCV000548064.6), dbSNP rs1223711938, ClinGen allele CA346000166.